The following is an entry in ClinVar:

NM_006059.4(LAMC3):c.3778-3C>A

Gene: LAMC3 (laminin subunit gamma 3; plus strand). Cytogenetic location: 9q34.12.
Variant type: single nucleotide variant.
Coding change: c.3778-3C>A on transcript NM_006059.4 (MANE Select); 3 bases into the intron before coding-DNA position 3778, C replaced by A.
Molecular consequence: intron variant.
Genome position (GRCh38, 1-based): chr9:131,079,146, C>A. VCF-style: chr9-131079146-C-A. GRCh37 (hg19) VCF-style: chr9-133954533-C-A.
Identifiers: ClinVar variation 1379834 (VCV001379834.6), dbSNP rs372147208, ClinGen allele CA5287955.
Genomic context (GRCh38, chr9:131,079,146, plus strand): 5'-GGAGAGGATCCGCTGCTTGCCCTTCCTTTCCAGGCCCTGCCTGAGCGCATTGTCTCCCTG[C>A]AGCCTCAGAAGTCCCGGGCTGAAGACCTGGGCCTGAAGGCGAAGGCCCTGGAGAAGACAG-3'

ClinVar aggregate classification (germline): Uncertain significance (1 of 4 stars; one submission).

Allele frequency attached by ClinVar (database versions not stated): gnomAD 0.00001; gnomAD exomes 0.00001; TOPMed 0.00001; ExAC 0.00002; ESP Exome Variant Server 0.00008.
gnomAD v4.1: 3 of 1,612,760 alleles (0.00019%); highest among the groups gnomAD compares: African/African-American, 0.0013%; no homozygotes.

Submission:

Labcorp Genetics (formerly Invitae), Labcorp
Classification: Uncertain significance. Last evaluated: 2021-04-16. Review status: criteria provided, single submitter. Criteria: Invitae Variant Classification Sherloc (09022015). Collection method: clinical testing. Allele origin: germline.
Comment: Nucleotide substitutions within the consensus splice site are a relatively common cause of aberrant splicing (PMID: 17576681, 9536098). Algorithms developed to predict the effect of sequence changes on RNA splicing suggest that this variant may disrupt the consensus splice site, but this prediction has not been confirmed by published transcriptional studies. In summary, the available evidence is currently insufficient to determine the role of this variant in disease. Therefore, it has been classified as a Variant of Uncertain Significance. This variant has not been reported in the literature in individuals with LAMC3-related conditions. This variant is present in population databases (rs372147208, ExAC 0.01%). This sequence change falls in intron 22 of the LAMC3 gene. It does not directly change the encoded amino acid sequence of the LAMC3 protein. It affects a nucleotide within the consensus splice site of the intron.

Literature cited by the submitters: PubMed 17576681; PubMed 9536098.